The following is an entry in ClinVar:

ClinVar aggregate classification (germline): Uncertain significance. Review status: criteria provided, multiple submitters, no conflicts (2 of 4 stars). 2 submissions from 2 submitters: Uncertain significance (2). Last evaluated 2024-12-12.

Conditions:
Hereditary cancer-predisposing syndrome. Also called: Tumor predisposition; Hereditary Cancer Syndrome; Hereditary neoplastic syndrome; Neoplastic Syndromes, Hereditary. Identifiers: Orphanet 140162, MedGen C0027672, MeSH D009386, MONDO:0015356.

Submissions (2):

Labcorp Genetics (formerly Invitae), Labcorp
Classification: Uncertain significance. Last evaluated: 2024-12-12. Review status: criteria provided, single submitter. Criteria: Invitae Variant Classification Sherloc (09022015). Collection method: clinical testing. Allele origin: germline.
Comment: This sequence change replaces serine, which is neutral and polar, with phenylalanine, which is neutral and non-polar, at codon 304 of the CTNNA1 protein (p.Ser304Phe). This variant is not present in population databases (gnomAD no frequency). This variant has not been reported in the literature in individuals affected with CTNNA1-related conditions. ClinVar contains an entry for this variant (Variation ID: 1471707). Invitae Evidence Modeling of protein sequence and biophysical properties (such as structural, functional, and spatial information, amino acid conservation, physicochemical variation, residue mobility, and thermodynamic stability) indicates that this missense variant is not expected to disrupt CTNNA1 protein function with a negative predictive value of 80%. In summary, the available evidence is currently insufficient to determine the role of this variant in disease. Therefore, it has been classified as a Variant of Uncertain Significance.

Ambry Genetics
Classification: Uncertain significance for Hereditary cancer-predisposing syndrome. Last evaluated: 2024-06-24. Review status: criteria provided, single submitter. Criteria: Ambry Variant Classification Scheme 2023. Collection method: clinical testing. Allele origin: germline.
Comment: The p.S304F variant (also known as c.911C>T), located in coding exon 6 of the CTNNA1 gene, results from a C to T substitution at nucleotide position 911. The serine at codon 304 is replaced by phenylalanine, an amino acid with highly dissimilar properties. This amino acid position is highly conserved in available vertebrate species. In addition, the in silico prediction for this alteration is inconclusive. The evidence for this gene-disease relationship is limited; therefore, the clinical significance of this alteration is unclear.

NM_001903.5(CTNNA1):c.911C>T (p.Ser304Phe)

Gene: CTNNA1 (catenin alpha 1; plus strand). Cytogenetic location: 5q31.2.
Variant type: single nucleotide variant.
Coding change: c.911C>T on transcript NM_001903.5 (MANE Select); coding-DNA position 911, C replaced by T.
Protein change: p.Ser304Phe; replaces serine 304 with phenylalanine.
Molecular consequence: missense variant.
Genome position (GRCh38, 1-based): chr5:138,827,567, C>T. VCF-style: chr5-138827567-C-T. GRCh37 (hg19) VCF-style: chr5-138163256-C-T.
Other names: c.911C>T, p.Ser304Phe (NM_001290307.3, NM_001323982.2, NM_001323983.1 and 3 more transcripts); c.602C>T, p.Ser201Phe (NM_001290309.3); c.542C>T, p.Ser181Phe (NM_001290310.3); short protein forms S201F, S181F, S304F.
Identifiers: ClinVar variation 1471707 (VCV001471707.11), dbSNP rs2149785598, ClinGen allele CA361130808.